The following is an entry in ClinVar:

NM_002332.3(LRP1):c.3715C>T (p.Gln1239Ter)

Gene: LRP1 (LDL receptor related protein 1; plus strand). Cytogenetic location: 12q13.3.
Variant type: single nucleotide variant.
Coding change: c.3715C>T on transcript NM_002332.3 (MANE Select); coding-DNA position 3715, C replaced by T.
Protein change: p.Gln1239Ter; replaces glutamine 1239 with a stop codon.
Molecular consequence: nonsense.
Genome position (GRCh38, 1-based): chr12:57,175,627, C>T. VCF-style: chr12-57175627-C-T. GRCh37 (hg19) VCF-style: chr12-57569410-C-T.
Other names: short protein forms Q1239*.
Identifiers: ClinVar variation 3067729 (VCV003067729.21), dbSNP rs2548068980, ClinGen allele CA385408531.
Genomic context (GRCh38, chr12:57,175,627, plus strand): 5'-CACACCTGCCAGATCCAGAGCTACTGTGCCAAGCATCTCAAATGCAGCCAAAAGTGCGAC[C>T]AGAACAAGTTCAGCGTGAAGTGCTCCTGCTACGAGGGCTGGGTCCTGGAACCTGACGGCG-3'

ClinVar aggregate classification (germline): Uncertain significance (1 of 4 stars; one submission).

Submission:

CeGaT Center for Human Genetics Tuebingen
Classification: Uncertain significance. Last evaluated: 2024-03-01. Review status: criteria provided, single submitter. Criteria: CeGaT Center For Human Genetics Tuebingen Variant Classification Criteria Version 2. Collection method: clinical testing. Allele origin: germline. Affected: yes. Observed: 1 variant allele.
Comment: LRP1: PM2